The following is an entry in ClinVar:

NM_004946.3(DOCK2):c.4463C>T (p.Ser1488Leu)

Gene: DOCK2 (dedicator of cytokinesis 2; plus strand). Cytogenetic location: 5q35.1.
Variant type: single nucleotide variant.
Coding change: c.4463C>T on transcript NM_004946.3 (MANE Select); coding-DNA position 4463, C replaced by T.
Protein change: p.Ser1488Leu; replaces serine 1488 with leucine.
Molecular consequence: missense variant. On other transcripts: non-coding transcript variant (1).
Genome position (GRCh38, 1-based): chr5:170,057,662, C>T. VCF-style: chr5-170057662-C-T. GRCh37 (hg19) VCF-style: chr5-169484666-C-T.
Other names: short protein forms S1488L.
Identifiers: ClinVar variation 1034677 (VCV001034677.6), dbSNP rs149796867, ClinGen allele CA3554557.
Genomic context (GRCh38, chr5:170,057,662, plus strand): 5'-CCTTCGTGACTGCATACAAGCTGCCGGGGATCCTGCGCTGGTTTGAGGTGGTGCACATGT[C>T]GCAGGTGAGTCTGGGACATTCGTGGCAGGGCCACCCTTCCTCCGATGGGCAGGGCACAGC-3'
Protein context (NP_004937.1, residues 1478-1498): ILRWFEVVHM[Ser1488Leu]QTTISPLENA

ClinVar aggregate classification (germline): Uncertain significance (1 of 4 stars; one submission).

Conditions:
DOCK2 deficiency. Also called: Immunodeficiency 40. Identifiers: Orphanet 447737, MedGen C4225328, MONDO:0014637, OMIM 616433.

Allele frequency attached by ClinVar (database versions not stated): gnomAD 0.00001; ExAC 0.00002; gnomAD exomes 0.00002; TOPMed 0.00003; ESP Exome Variant Server 0.00008.
gnomAD v4.1: 23 of 1,609,424 alleles (0.0014%); highest among the groups gnomAD compares: East Asian, 0.0022%; no homozygotes.

Submission:

Labcorp Genetics (formerly Invitae), Labcorp
Classification: Uncertain significance for DOCK2 deficiency. Last evaluated: 2021-08-31. Review status: criteria provided, single submitter. Criteria: Invitae Variant Classification Sherloc (09022015). Collection method: clinical testing. Allele origin: germline.
Comment: This sequence change replaces serine with leucine at codon 1488 of the DOCK2 protein (p.Ser1488Leu). The serine residue is moderately conserved and there is a large physicochemical difference between serine and leucine. This variant is present in population databases (rs149796867, ExAC 0.003%). This variant has not been reported in the literature in individuals affected with DOCK2-related conditions. Algorithms developed to predict the effect of missense changes on protein structure and function are either unavailable or do not agree on the potential impact of this missense change (SIFT: "Deleterious"; PolyPhen-2: "Benign"; Align-GVGD: "Class C0"). In summary, the available evidence is currently insufficient to determine the role of this variant in disease. Therefore, it has been classified as a Variant of Uncertain Significance.